The following is an entry in ClinVar:

ClinVar aggregate classification (germline): Uncertain significance (1 of 4 stars; one submission).

Conditions:
Primary ciliary dyskinesia. Also called: Ciliary dyskinesia. Identifiers: Orphanet 244, MedGen C0008780, MONDO:0016575, HP:0012265.

gnomAD v4.1: 5 of 1,614,026 alleles (0.00031%); highest among the groups gnomAD compares: East Asian, 0.011%; no homozygotes.

Submission:

Labcorp Genetics (formerly Invitae), Labcorp
Classification: Uncertain significance for Primary ciliary dyskinesia. Last evaluated: 2024-03-10. Review status: criteria provided, single submitter. Criteria: Invitae Variant Classification Sherloc (09022015). Collection method: clinical testing. Allele origin: germline.
Comment: This sequence change replaces isoleucine, which is neutral and non-polar, with valine, which is neutral and non-polar, at codon 644 of the DNAI1 protein (p.Ile644Val). The frequency data for this variant in the population databases is considered unreliable, as metrics indicate poor data quality at this position in the gnomAD database. This variant has not been reported in the literature in individuals affected with DNAI1-related conditions. Advanced modeling of protein sequence and biophysical properties (such as structural, functional, and spatial information, amino acid conservation, physicochemical variation, residue mobility, and thermodynamic stability) performed at Invitae indicates that this missense variant is not expected to disrupt DNAI1 protein function with a negative predictive value of 95%. In summary, the available evidence is currently insufficient to determine the role of this variant in disease. Therefore, it has been classified as a Variant of Uncertain Significance.

NM_012144.4(DNAI1):c.1930A>G (p.Ile644Val)

Gene: DNAI1 (dynein axonemal intermediate chain 1; plus strand). Cytogenetic location: 9p13.3.
Variant type: single nucleotide variant.
Coding change: c.1930A>G on transcript NM_012144.4 (MANE Select); coding-DNA position 1930, A replaced by G.
Protein change: p.Ile644Val; replaces isoleucine 644 with valine.
Molecular consequence: missense variant.
Genome position (GRCh38, 1-based): chr9:34,517,396, A>G. VCF-style: chr9-34517396-A-G. GRCh37 (hg19) VCF-style: chr9-34517394-A-G.
Other names: c.1942A>G, p.Ile648Val (NM_001281428.2); short protein forms I644V, I648V.
Identifiers: ClinVar variation 3626087 (VCV003626087.2).